The following is an entry in ClinVar:

ClinVar aggregate classification (germline): Uncertain significance (1 of 4 stars; one submission).

Conditions:
Hereditary cancer-predisposing syndrome. Also called: Neoplastic Syndromes, Hereditary; Tumor predisposition; Hereditary neoplastic syndrome; Hereditary Cancer Syndrome. Identifiers: Orphanet 140162, MedGen C0027672, MeSH D009386, MONDO:0015356.

Submission:

Ambry Genetics
Classification: Uncertain significance for Hereditary cancer-predisposing syndrome. Last evaluated: 2023-09-29. Review status: criteria provided, single submitter. Criteria: Ambry Variant Classification Scheme 2023. Collection method: clinical testing. Allele origin: germline.
Comment: The p.F475V variant (also known as c.1423T>G), located in coding exon 12 of the CHEK2 gene, results from a T to G substitution at nucleotide position 1423. The phenylalanine at codon 475 is replaced by valine, an amino acid with highly similar properties. This amino acid position is conserved. In addition, this alteration is predicted to be tolerated by in silico analysis. Since supporting evidence is limited at this time, the clinical significance of this alteration remains unclear.

NM_007194.4(CHEK2):c.1423T>G (p.Phe475Val)

Gene: CHEK2 (checkpoint kinase 2; minus strand). Cytogenetic location: 22q12.1.
Variant type: single nucleotide variant.
Coding change: c.1423T>G on transcript NM_007194.4 (MANE Select); coding-DNA position 1423, T replaced by G.
Protein change: p.Phe475Val; replaces phenylalanine 475 with valine.
Molecular consequence: missense variant.
Genome position (GRCh38, 1-based): chr22:28,694,070, A>C on the plus strand (T>G on the coding strand, the complement: CHEK2 is on the minus strand). VCF-style: chr22-28694070-A-C. GRCh37 (hg19) VCF-style: chr22-29090058-A-C.
Other names: c.1552T>G, p.Phe518Val (NM_001005735.3); c.760T>G, p.Phe254Val (NM_001257387.3); c.1222T>G, p.Phe408Val (NM_001349956.3); c.1336T>G, p.Phe446Val (NM_145862.3); short protein forms F254V, F408V, F446V, F475V, F518V.
Identifiers: ClinVar variation 3226024 (VCV003226024.1), dbSNP rs370968992, ClinGen allele CA411094271.
Genomic context (GRCh38, chr22:28,694,070, plus strand): 5'-GCAGGCACTGTCCCACACCCACCTGAAGCCACGGGTGTCTTAAGGCTTCTTCTGTCGTAA[A>C]ACGTGCCTTTGGATCCACTACCAACAACTTCTTGACAAGGTCCAGAGCTAAAGCAACAAT-3'
Protein context (NP_009125.1, residues 465-485): KLLVVDPKAR[Phe475Val]TTEEALRHPW